The following is an entry in ClinVar:

NM_007118.4(TRIO):c.2178C>T (p.Asn726=)

Gene: TRIO (trio Rho guanine nucleotide exchange factor; plus strand). Cytogenetic location: 5p15.2.
Variant type: single nucleotide variant.
Coding change: c.2178C>T on transcript NM_007118.4 (MANE Select); coding-DNA position 2178, C replaced by T.
Protein change: p.Asn726=; no amino-acid change (asparagine 726 retained).
Molecular consequence: synonymous variant. On other transcripts: non-coding transcript variant (1).
Genome position (GRCh38, 1-based): chr5:14,358,309, C>T. VCF-style: chr5-14358309-C-T. GRCh37 (hg19) VCF-style: chr5-14358418-C-T.
Identifiers: ClinVar variation 2655315 (VCV002655315.24), dbSNP rs762757315, ClinGen allele CA3205816.

ClinVar aggregate classification (germline): Likely benign (1 of 4 stars; one submission).

Allele frequency attached by ClinVar (database versions not stated): gnomAD exomes 0.00003; ExAC 0.00010.
gnomAD v4.1: 38 of 1,614,012 alleles (0.0024%); highest among the groups gnomAD compares: Admixed American, 0.038%; no homozygotes.

Submission:

CeGaT Center for Human Genetics Tuebingen
Classification: Likely benign. Last evaluated: 2026-04-01. Review status: criteria provided, single submitter. Criteria: CeGaT Center For Human Genetics Tuebingen Variant Classification Criteria Version 2. Collection method: clinical testing. Allele origin: germline. Affected: yes. Observed: 2 variant alleles.
Comment: TRIO: BP4, BP7